The following is an entry in ClinVar:

NM_001009999.3(KDM1A):c.1007G>T (p.Arg336Leu)

Gene: KDM1A (lysine demethylase 1A; plus strand). Cytogenetic location: 1p36.12.
Variant type: single nucleotide variant.
Coding change: c.1007G>T on transcript NM_001009999.3 (MANE Select); coding-DNA position 1007, G replaced by T.
Protein change: p.Arg336Leu; replaces arginine 336 with leucine.
Molecular consequence: missense variant.
Genome position (GRCh38, 1-based): chr1:23,057,500, G>T. VCF-style: chr1-23057500-G-T. GRCh37 (hg19) VCF-style: chr1-23383993-G-T.
Other names: c.947G>T, p.Arg316Leu (NM_001363654.2, NM_001410763.1, NM_015013.4); c.1007G>T, p.Arg336Leu (NM_001410762.1); short protein forms R316L, R336L.
Identifiers: ClinVar variation 4858729 (VCV004858729.1).

ClinVar aggregate classification (germline): Uncertain significance (1 of 4 stars; one submission).

Conditions:
Inborn genetic diseases. Identifiers: MedGen C0950123, MeSH D030342.

Submission:

Ambry Genetics
Classification: Uncertain significance for Inborn genetic diseases. Last evaluated: 2026-05-01. Review status: criteria provided, single submitter. Criteria: Ambry Variant Classification Scheme 2023. Collection method: clinical testing. Allele origin: germline.
Comment: The p.R336L variant (also known as c.1007G>T), located in coding exon 8 of the KDM1A gene, results from a G to T substitution at nucleotide position 1007. The arginine at codon 336 is replaced by leucine, an amino acid with dissimilar properties. This amino acid position is conserved. In addition, this alteration is predicted to be deleterious by in silico analysis. Based on the available evidence, the clinical significance of this variant remains unclear.